The following is an entry in ClinVar:

NM_004360.5(CDH1):c.20_21delinsAT (p.Ser7Asn)

Gene: CDH1 (cadherin 1; plus strand). Cytogenetic location: 16q22.1.
Variant type: Indel.
Coding change: c.20_21delinsAT on transcript NM_004360.5 (MANE Select); coding-DNA positions 20 to 21, GC replaced by AT.
Protein change: p.Ser7Asn; replaces serine 7 with asparagine.
Molecular consequence: missense variant. On other transcripts: 5 prime UTR variant (2).
Genome position (GRCh38, 1-based): chr16:68,737,435-68,737,436, GC replaced by AT. VCF-style: chr16-68737435-GC-AT. GRCh37 (hg19) VCF-style: chr16-68771338-GC-AT.
Other names: c.20_21delinsAT, p.Ser7Asn (NM_001317184.2); c.-1596_-1595delinsAT (NM_001317185.2); c.-1800_-1799delinsAT (NM_001317186.2); c.20_21delGCinsAT (NM_004360.3); short protein forms S7N.
Identifiers: ClinVar variation 923416 (VCV000923416.5), dbSNP rs1962424166, ClinGen allele CA913188709.

ClinVar aggregate classification (germline): Uncertain significance. Review status: criteria provided, multiple submitters, no conflicts (2 of 4 stars). 2 submissions from 2 submitters: Uncertain significance (2). Last evaluated 2026-03-23.

Conditions:
Hereditary cancer-predisposing syndrome. Also called: Hereditary Cancer Syndrome; Neoplastic Syndromes, Hereditary; Tumor predisposition; Hereditary neoplastic syndrome. Identifiers: Orphanet 140162, MedGen C0027672, MeSH D009386, MONDO:0015356.

Submissions (2):

Ambry Genetics
Classification: Uncertain significance for Hereditary cancer-predisposing syndrome. Last evaluated: 2026-03-23. Review status: criteria provided, single submitter. Criteria: Ambry Variant Classification Scheme 2023. Collection method: clinical testing. Allele origin: germline.
Comment: The c.20_21delGCinsAT variant, located in coding exon 1 of the CDH1 gene, results from an in-frame deletion of GC and insertion of AT at nucleotide positions 20 to 21. This results in the substitution of the serine residue for an asparagine residue at codon 7, an amino acid with highly similar properties. In addition, this variant is predicted to be neutral by in silico analysis (Choi Y et al. PLoS ONE. 2012; 7(10):e46688). Based on the available evidence, the clinical significance of this variant remains unclear.

Color Diagnostics, LLC DBA Color Health
Classification: Uncertain significance for Hereditary cancer-predisposing syndrome. Last evaluated: 2023-12-05. Review status: criteria provided, single submitter. Criteria: ACMG Guidelines, 2015. Collection method: clinical testing. Allele origin: germline.
Comment: This missense variant replaces serine with asparagine at codon 7 of the CDH1 protein. To our knowledge, functional studies have not been reported for this variant. This variant has not been reported in individuals affected with CDH1-related disorders in the literature. This variant has not been identified in the general population by the Genome Aggregation Database (gnomAD). The available evidence is insufficient to determine the role of this variant in disease conclusively. Therefore, this variant is classified as a Variant of Uncertain Significance.